The following is an entry in ClinVar:

NM_173500.4(TTBK2):c.1229_1230insACCA (p.Ala411fs)

Gene: TTBK2 (tau tubulin kinase 2; minus strand). Cytogenetic location: 15q15.2.
Variant type: Insertion.
Coding change: c.1229_1230insACCA on transcript NM_173500.4 (MANE Select); coding-DNA positions 1229 to 1230, ACCA inserted.
Protein change: p.Ala411fs; shifts the reading frame from alanine 411.
Molecular consequence: frameshift variant.
Genome position: GRCh38 VCF-style: chr15-42777210-C-CTGGT. GRCh37 (hg19) VCF-style: chr15-43069408-C-CTGGT.
Other names: c.1229_1230insACCA (NM_173500.3); short protein forms A411fs.
Identifiers: ClinVar variation 4082536 (VCV004082536.2).

ClinVar aggregate classification (germline): Likely pathogenic (1 of 4 stars; one submission).

Submission:

Genetic Services Laboratory, University of Chicago
Classification: Likely pathogenic. Last evaluated: 2024-06-25. Review status: criteria provided, single submitter. Criteria: ACMG Guidelines, 2015. Collection method: clinical testing. Allele origin: germline. Affected: yes.
Comment: DNA sequence analysis of the TTBK2 gene demonstrated an insertion of four base pairs in exon 12, c.1229_1230insACCA. This sequence change results in an amino acid frameshift and creates a premature stop codon 40 amino acids downstream of the change, p.Ala411Profs*41. This sequence change is predicted to result in an abnormal transcript, which may be degraded, or may lead to the production of a truncated TTBK2 protein with potentially abnormal function. The c.1229_1230insACCA sequence change has not been described in population databases such as ExAC and gnomAD. While this sequence change has not previously been described in the literature, other truncating variants in the TTBK2 gene have been described in several individuals with TTBK2-related disorders (PMID: 18037885). This sequence change is likely pathogenic, however functional studies have not been performed to prove this conclusively.